The following is an entry in ClinVar:

ClinVar aggregate classification (germline): Benign/Likely benign. Review status: criteria provided, multiple submitters, no conflicts (2 of 4 stars). 6 submissions from 6 submitters: Benign (1); Likely benign (4). 1 of the submissions does not count toward it. Last evaluated 2025-10-21.

Conditions:
WFS1-related disorder. Identifiers: MedGen CN379391, MONDO:0700293.
Wolfram syndrome 1 (WFS1). Identifiers: Orphanet 3463, MedGen C4551693, MONDO:0009101, OMIM 222300.

Allele frequency attached by ClinVar (database versions not stated): gnomAD 0.00004 and 0.00005; TOPMed 0.00013; 1000 Genomes Project 30x 0.00016; ExAC 0.00017; gnomAD exomes 0.00019; 1000 Genomes Project 0.00020.
gnomAD v4.1: 85 of 1,612,970 alleles (0.0053%); highest among the groups gnomAD compares: Admixed American, 0.067%; no homozygotes.

Submissions (6):

Labcorp Genetics (formerly Invitae), Labcorp
Classification: Likely benign. Last evaluated: 2025-10-21. Review status: criteria provided, single submitter. Criteria: Invitae Variant Classification Sherloc (09022015). Collection method: clinical testing. Allele origin: germline.

ARUP Laboratories, Molecular Genetics and Genomics, ARUP Laboratories
Classification: Likely benign. Last evaluated: 2024-10-25. Review status: criteria provided, single submitter. Criteria: ARUP Molecular Germline Variant Investigation Process 2024. Collection method: clinical testing. Allele origin: germline.

Blueprint Genetics
Classification: Likely benign. Last evaluated: 2022-09-21. Review status: criteria provided, single submitter. Criteria: ACMG Guidelines, 2015. Collection method: clinical testing. Allele origin: germline.

Laboratory for Molecular Medicine, Mass General Brigham Personalized Medicine
Classification: Likely benign. Last evaluated: 2017-08-23. Review status: criteria provided, single submitter. Criteria: LMM Criteria. Collection method: clinical testing. Allele origin: germline. Observed: 1 variant allele.
Comment: p.Thr778Thr in exon 8 of WFS1: This variant is not expected to have clinical sig nificance because it does not alter an amino acid residue and is not located wit hin the splice consensus sequence. It has been identified in 0.12% (14/11472) of Latino chromosomes by the Exome Aggregation Consortium (ExAC; dbSNP rs71526460).

Clinical Genomics, Uppaluri K&H Personalized Medicine Clinic
Classification: Benign for Wolfram syndrome 1. Review status: criteria provided, single submitter. Criteria: K & H Uppaluri Personalized Medicine Clinic Variant Classification & Assertion Criteria_Updated V.1. Collection method: research. Allele origin: unknown. Inheritance: Autosomal recessive inheritance.
Comment: Potent mutations in WFS1 gene are associated with Wolfram's syndrome, an autosomal recessive condition, which cause diabetes mellitus, diabetes insipidus, deafness and optic atrophy. However no sufficient evidence is found to ascertain the role of this particular variant rs71526460 in Wolfram's syndrome yet.

PreventionGenetics, part of Exact Sciences
Classification: Likely benign for WFS1-related condition. Last evaluated: 2024-06-03. Review status: no assertion criteria provided. Collection method: clinical testing. Allele origin: germline. Not counted in ClinVar's aggregate classification.
Comment: This variant is classified as likely benign based on ACMG/AMP sequence variant interpretation guidelines (Richards et al. 2015 PMID: 25741868, with internal and published modifications).

Literature cited by the submitters: PubMed 20738327 (cited by Clinical Genomics, Uppaluri K&H Personalized Medicine Clinic); PubMed 33879153 (cited by Clinical Genomics, Uppaluri K&H Personalized Medicine Clinic); PubMed 12955714 (cited by Clinical Genomics, Uppaluri K&H Personalized Medicine Clinic); PubMed 18060660 (cited by Clinical Genomics, Uppaluri K&H Personalized Medicine Clinic); PubMed 20301750 (cited by Clinical Genomics, Uppaluri K&H Personalized Medicine Clinic); PubMed 17603484 (cited by Clinical Genomics, Uppaluri K&H Personalized Medicine Clinic).

NM_006005.3(WFS1):c.2334C>T (p.Thr778=)

Gene: WFS1 (wolframin ER transmembrane glycoprotein; plus strand). Cytogenetic location: 4p16.1.
Variant type: single nucleotide variant.
Coding change: c.2334C>T on transcript NM_006005.3 (MANE Select); coding-DNA position 2334, C replaced by T.
Protein change: p.Thr778=; no amino-acid change (threonine 778 retained).
Molecular consequence: synonymous variant.
Genome position (GRCh38, 1-based): chr4:6,302,129, C>T. VCF-style: chr4-6302129-C-T. GRCh37 (hg19) VCF-style: chr4-6303856-C-T.
Other names: c.2334C>T, p.Thr778= (NM_001145853.1).
Identifiers: ClinVar variation 666781 (VCV000666781.15), dbSNP rs71526460, ClinGen allele CA2839688.